The following is an entry in ClinVar:

NM_020461.4(TUBGCP6):c.4175_4176del (p.Thr1392fs)

Gene: TUBGCP6 (tubulin gamma complex component 6; minus strand). Cytogenetic location: 22q13.33.
Variant type: Microsatellite.
Coding change: c.4175_4176del on transcript NM_020461.4 (MANE Select); coding-DNA positions 4175 to 4176, 2 bases deleted (CA; older notation c.4175_4176delCA).
Protein change: p.Thr1392fs; shifts the reading frame from threonine 1392.
Molecular consequence: frameshift variant.
Genome position (GRCh38, 1-based): chr22:50,219,783-50,219,784, TG deleted on the plus strand (CA on the coding strand, the reverse complement: TUBGCP6 is on the minus strand); deleting any 2 consecutive bases within chr22:50,219,783-50,219,787 gives the same sequence; the c. name uses the placement nearest the transcript's 3' end. VCF-style (leftmost placement, unchanged base first): chr22-50219782-CTG-C. GRCh37 (hg19) VCF-style: chr22-50658211-CTG-C.
Other names: short protein forms T1392fs.
Identifiers: ClinVar variation 1072458 (VCV001072458.6), dbSNP rs754282574, ClinGen allele CA10307632.

ClinVar aggregate classification (germline): Pathogenic (1 of 4 stars; one submission).

Submission:

Labcorp Genetics (formerly Invitae), Labcorp
Classification: Pathogenic. Last evaluated: 2022-03-10. Review status: criteria provided, single submitter. Criteria: Invitae Variant Classification Sherloc (09022015). Collection method: clinical testing. Allele origin: germline.
Comment: For these reasons, this variant has been classified as Pathogenic. This variant has not been reported in the literature in individuals affected with TUBGCP6-related conditions. This variant is present in population databases (rs754282574, gnomAD 0.002%). This sequence change creates a premature translational stop signal (p.Thr1392Serfs*10) in the TUBGCP6 gene. It is expected to result in an absent or disrupted protein product. Loss-of-function variants in TUBGCP6 are known to be pathogenic (PMID: 25344692).

Literature cited by the submitters: PubMed 25344692.